The following is an entry in ClinVar:

ClinVar aggregate classification (germline): Uncertain significance. Review status: criteria provided, multiple submitters, no conflicts (2 of 4 stars). 2 submissions from 2 submitters: Uncertain significance (2). Last evaluated 2026-01-23.

gnomAD v4.1: 1 of 1,613,730 alleles (0.000062%); highest among the groups gnomAD compares: Admixed American, 0.0017%; no homozygotes.

Submissions (2):

GeneDx
Classification: Uncertain significance. Last evaluated: 2026-01-23. Review status: criteria provided, single submitter. Criteria: GeneDx Variant Classification Process June 2021. Collection method: clinical testing. Allele origin: germline.
Comment: Not observed at significant frequency in large population cohorts (gnomAD); In silico analysis suggests that this missense variant does not alter protein structure/function; Not located in the triple helical region, where the majority of pathogenic missense variants occur (HGMD; PMID: 25240749); Has not been previously published as pathogenic or benign to our knowledge; This variant is associated with the following publications: (PMID: 25240749)

Labcorp Genetics (formerly Invitae), Labcorp
Classification: Uncertain significance. Last evaluated: 2025-09-21. Review status: criteria provided, single submitter. Criteria: Invitae Variant Classification Sherloc (09022015). Collection method: clinical testing. Allele origin: germline.
Comment: This sequence change replaces serine, which is neutral and polar, with asparagine, which is neutral and polar, at codon 1613 of the COL11A1 protein (p.Ser1613Asn). This variant is not present in population databases (gnomAD no frequency). This variant has not been reported in the literature in individuals affected with COL11A1-related conditions. Invitae Evidence Modeling of protein sequence and biophysical properties (such as structural, functional, and spatial information, amino acid conservation, physicochemical variation, residue mobility, and thermodynamic stability) indicates that this missense variant is not expected to disrupt COL11A1 protein function with a negative predictive value of 80%. In summary, the available evidence is currently insufficient to determine the role of this variant in disease. Therefore, it has been classified as a Variant of Uncertain Significance.

NM_001854.4(COL11A1):c.4838G>A (p.Ser1613Asn)

Gene: COL11A1 (collagen type XI alpha 1 chain; minus strand). Cytogenetic location: 1p21.1.
Variant type: single nucleotide variant.
Coding change: c.4838G>A on transcript NM_001854.4 (MANE Select); coding-DNA position 4838, G replaced by A.
Protein change: p.Ser1613Asn; replaces serine 1613 with asparagine.
Molecular consequence: missense variant. On other transcripts: non-coding transcript variant (1).
Genome position (GRCh38, 1-based): chr1:102,886,827, C>T on the plus strand (G>A on the coding strand, the complement: COL11A1 is on the minus strand). VCF-style: chr1-102886827-C-T. GRCh37 (hg19) VCF-style: chr1-103352383-C-T.
Other names: c.4721G>A, p.Ser1574Asn (NM_001190709.2); c.4874G>A, p.Ser1625Asn (NM_080629.3); c.4490G>A, p.Ser1497Asn (NM_080630.4); short protein forms S1497N, S1574N, S1613N, S1625N.
Identifiers: ClinVar variation 4086658 (VCV004086658.3).
Genomic context (GRCh38, chr1:102,886,827, plus strand): 5'-GGGCTCGGTACATTTGCTTTGTCATGTATTATTTACATACCATCTGGGAAGTCAGGATGG[C>T]TGAGTTGCAGGTCTTTACAAGTTCGGGCTGGATTGGTCTGAGTACCCATTGGAAATTTCA-3'
Protein context (NP_001845.3, residues 1603-1623): PARTCKDLQL[Ser1613Asn]HPDFPDGEYW